The following is an entry in ClinVar:

NM_024757.5(EHMT1):c.3626_3631dup (p.Pro1209_Val1210dup)

Gene: EHMT1 (euchromatic histone lysine methyltransferase 1; plus strand). Cytogenetic location: 9q34.3.
Variant type: Duplication.
Coding change: c.3626_3631dup on transcript NM_024757.5 (MANE Select); coding-DNA positions 3626 to 3631, 6 bases duplicated (CCGTGC; older notation c.3626_3631dupCCGTGC).
Protein change: p.Pro1209_Val1210dup.
Molecular consequence: inframe insertion.
Genome position (GRCh38, 1-based): chr9:137,834,434-137,834,439, CCGTGC duplicated; duplicating any 6 consecutive bases within chr9:137,834,430-137,834,439 gives the same sequence; the c. name uses the placement nearest the transcript's 3' end. VCF-style (leftmost placement, unchanged base first): chr9-137834429-G-GGTGCCC. GRCh37 (hg19) VCF-style: chr9-140728881-G-GGTGCCC.
Other names: c.3605_3610dup, p.Pro1202_Val1203dup (NM_001354263.2).
Identifiers: ClinVar variation 421341 (VCV000421341.2), dbSNP rs1554908367, ClinGen allele CA16618821.

ClinVar aggregate classification (germline): Likely pathogenic (1 of 4 stars; one submission).

Submission:

GeneDx
Classification: Likely pathogenic. Last evaluated: 2016-05-26. Review status: criteria provided, single submitter. Criteria: GeneDx Variant Classification (06012015). Collection method: clinical testing. Allele origin: germline. Affected: yes.
Comment: The c.3626_3631dupCCGTGC variant in the EHMT1 gene has not been reported previously as a disease-causing pathogenic variant nor as a benign variant, to our knowledge. The c.3626_3631dupCCGTGC variant causes an in-frame duplication of codons Proline 1209 and Valine 1210, denoted p.Pro1209_Val1210dup. The c.3626_3631dupCCGTGC variant was not observed in approximately 6500 individuals of European and African American ancestry in the NHLBI Exome Sequencing Project, indicating it is not a common benign variant in these populations. The c.3626_3631dupCCGTGC variant is a strong candidate for a pathogenic variant.